The following is an entry in ClinVar:

NM_000535.7(PMS2):c.1082_1094del (p.Gly361fs)

Gene: PMS2 (PMS1 homolog 2, mismatch repair system component; minus strand). Cytogenetic location: 7p22.1.
Variant type: Deletion.
Coding change: c.1082_1094del on transcript NM_000535.7 (MANE Select); coding-DNA positions 1082 to 1094, 13 bases deleted (GAATGTTTGATAG).
Protein change: p.Gly361fs; shifts the reading frame from glycine 361.
Molecular consequence: frameshift variant. On other transcripts: non-coding transcript variant (1), intron variant (2).
Genome position (GRCh38, 1-based): chr7:5,989,850-5,989,862, CTATCAAACATTC deleted on the plus strand (GAATGTTTGATAG on the coding strand, the reverse complement: PMS2 is on the minus strand); deleting any 13 consecutive bases within chr7:5,989,850-5,989,870 gives the same sequence; the c. name uses the placement nearest the transcript's 3' end. VCF-style (leftmost placement, unchanged base first): chr7-5989849-ACTATCAAACATTC-A. GRCh37 (hg19) VCF-style: chr7-6029480-ACTATCAAACATTC-A.
Other names: c.669_681delTTTGATAGGAATG, p.Gly226Valfs (NM_001018040.1, NM_001406887.1, NM_001406888.1 and 13 more transcripts); c.677_689del, p.Gly226fs (NM_001322003.2, NM_001322004.2, NM_001322005.2 and 1 more transcripts); c.764_776del, p.Gly255fs (NM_001322007.2, NM_001322008.2); c.149_161del, p.Gly50fs (NM_001322011.2, NM_001322012.2); c.509_521del, p.Gly170fs (NM_001322013.2); c.1082_1094del, p.Gly361fs (NM_001322014.2); c.773_785del, p.Gly258fs (NM_001322015.2); c.1260_1272delTTTGATAGGAATG, p.Gly423Valfs (NM_001406866.1); and 15 more; short protein forms G50fs, G226fs, G255fs, G258fs, G361fs, G170fs.
Identifiers: ClinVar variation 1786664 (VCV001786664.2), dbSNP rs2535926151, ClinGen allele CA2580076994.

ClinVar aggregate classification (germline): Pathogenic (1 of 4 stars; one submission).

Conditions:
Hereditary cancer-predisposing syndrome. Also called: Neoplastic Syndromes, Hereditary; Tumor predisposition; Hereditary Cancer Syndrome; Hereditary neoplastic syndrome. Identifiers: Orphanet 140162, MedGen C0027672, MeSH D009386, MONDO:0015356.

Submission:

Ambry Genetics
Classification: Pathogenic for Hereditary cancer-predisposing syndrome. Last evaluated: 2022-09-20. Review status: criteria provided, single submitter. Criteria: Ambry Variant Classification Scheme 2023. Collection method: clinical testing. Allele origin: germline.
Comment: The c.1082_1094del13 pathogenic mutation, located in coding exon 10 of the PMS2 gene, results from a deletion of 13 nucleotides at nucleotide positions 1082 to 1094, causing a translational frameshift with a predicted alternate stop codon (p.G361Vfs*6). This alteration is expected to result in loss of function by premature protein truncation or nonsense-mediated mRNA decay. As such, this alteration is interpreted as a disease-causing mutation.